The following is an entry in ClinVar:

ClinVar aggregate classification (germline): Uncertain significance (1 of 4 stars; one submission).

Submission:

Labcorp Genetics (formerly Invitae), Labcorp
Classification: Uncertain significance. Last evaluated: 2020-03-18. Review status: criteria provided, single submitter. Criteria: Invitae Variant Classification Sherloc (09022015). Collection method: clinical testing. Allele origin: germline.
Comment: This sequence change replaces lysine with glutamine at codon 149 of the CTNNA1 protein (p.Lys149Gln). The lysine residue is highly conserved and there is a small physicochemical difference between lysine and glutamine. This variant is not present in population databases (ExAC no frequency). This variant has not been reported in the literature in individuals with CTNNA1-related conditions. Algorithms developed to predict the effect of missense changes on protein structure and function are either unavailable or do not agree on the potential impact of this missense change (SIFT: "Deleterious"; PolyPhen-2: "Benign"; Align-GVGD: "Class C0"). In summary, the available evidence is currently insufficient to determine the role of this variant in disease. Therefore, it has been classified as a Variant of Uncertain Significance.

NM_001903.5(CTNNA1):c.445A>C (p.Lys149Gln)

Gene: CTNNA1 (catenin alpha 1; plus strand). Cytogenetic location: 5q31.2.
Variant type: single nucleotide variant.
Coding change: c.445A>C on transcript NM_001903.5 (MANE Select); coding-DNA position 445, A replaced by C.
Protein change: p.Lys149Gln; replaces lysine 149 with glutamine.
Molecular consequence: missense variant.
Genome position (GRCh38, 1-based): chr5:138,810,181, A>C. VCF-style: chr5-138810181-A-C. GRCh37 (hg19) VCF-style: chr5-138145870-A-C.
Other names: c.445A>C, p.Lys149Gln (NM_001290307.3, NM_001323982.2, NM_001323983.1 and 3 more transcripts); c.136A>C, p.Lys46Gln (NM_001290309.3); c.76A>C, p.Lys26Gln (NM_001290310.3); short protein forms K149Q, K26Q, K46Q.
Identifiers: ClinVar variation 1058539 (VCV001058539.9), dbSNP rs2149727549, ClinGen allele CA361123609.
Genomic context (GRCh38, chr5:138,810,181, plus strand): 5'-CGAGCTTTGCTCTCTGCTGTTACCCGGTTGCTGATTTTGGCTGACATGGCAGATGTCTAC[A>C]AATTACTTGTTCAGCTGAAAGTTGTAAGTATACAGGCCTATGTCTGTAATTTGTTCTATC-3'
Protein context (NP_001894.2, residues 139-159): LILADMADVY[Lys149Gln]LLVQLKVVED